The following is an entry in ClinVar:

ClinVar aggregate classification (germline): Pathogenic (1 of 4 stars; one submission).

Conditions:
Maple syrup urine disease (MSUD). Identifiers: Orphanet 511, MedGen C0024776, MeSH D008375, MONDO:0009563. Disease mechanism: loss of function.

Submission:

Labcorp Genetics (formerly Invitae), Labcorp
Classification: Pathogenic for Maple syrup urine disease. Last evaluated: 2022-07-05. Review status: criteria provided, single submitter. Criteria: Invitae Variant Classification Sherloc (09022015). Collection method: clinical testing. Allele origin: germline.
Comment: For these reasons, this variant has been classified as Pathogenic. ClinVar contains an entry for this variant (Variation ID: 1455526). This variant has not been reported in the literature in individuals affected with DBT-related conditions. This variant is not present in population databases (gnomAD no frequency). This sequence change creates a premature translational stop signal (p.Glu254Aspfs*3) in the DBT gene. It is expected to result in an absent or disrupted protein product. Loss-of-function variants in DBT are known to be pathogenic (PMID: 16579849, 16786533).

Literature cited by the submitters: PubMed 16579849; PubMed 16786533.

NM_001918.5(DBT):c.762del (p.Glu254fs)

Gene: DBT (dihydrolipoamide branched chain transacylase E2; minus strand). Cytogenetic location: 1p21.2.
Variant type: Deletion.
Coding change: c.762del on transcript NM_001918.5 (MANE Select); coding-DNA position 762, one base deleted (A; older notation c.762delA).
Protein change: p.Glu254fs; shifts the reading frame from glutamic acid 254.
Molecular consequence: frameshift variant.
Genome position (GRCh38, 1-based): chr1:100,215,993, T deleted on the plus strand (A on the coding strand, the reverse complement: DBT is on the minus strand); the first of 2 consecutive T bases (chr1:100,215,993-100,215,994); deleting either gives the same sequence. VCF-style (leftmost placement, unchanged base first): chr1-100215992-GT-G. GRCh37 (hg19) VCF-style: chr1-100681548-GT-G.
Other names: short protein forms E254fs.
Identifiers: ClinVar variation 1455526 (VCV001455526.6), dbSNP rs2100799447, ClinGen allele CA2573130838.